The following is an entry in ClinVar:

NM_001040108.2(MLH3):c.3206C>T (p.Ala1069Val)

Gene: MLH3 (mutL homolog 3; minus strand). Cytogenetic location: 14q24.3.
Variant type: single nucleotide variant.
Coding change: c.3206C>T on transcript NM_001040108.2 (MANE Select); coding-DNA position 3206, C replaced by T.
Protein change: p.Ala1069Val; replaces alanine 1069 with valine.
Molecular consequence: missense variant.
Genome position (GRCh38, 1-based): chr14:75,046,450, G>A on the plus strand (C>T on the coding strand, the complement: MLH3 is on the minus strand). VCF-style: chr14-75046450-G-A. GRCh37 (hg19) VCF-style: chr14-75513153-G-A.
Other names: c.3206C>T, p.Ala1069Val (NM_014381.3); short protein forms A1069V.
Identifiers: ClinVar variation 2563578 (VCV002563578.3), dbSNP rs1892226746, ClinGen allele CA390434988.

ClinVar aggregate classification (germline): Uncertain significance. Review status: criteria provided, multiple submitters, no conflicts (2 of 4 stars). 2 submissions from 2 submitters: Uncertain significance (2). Last evaluated 2025-02-12.

Conditions:
Colorectal cancer, hereditary nonpolyposis, type 7. Identifiers: Orphanet 144, MedGen C1858380, MONDO:0013725, OMIM 614385.

Submissions (2):

Labcorp Genetics (formerly Invitae), Labcorp
Classification: Uncertain significance for Colorectal cancer, hereditary nonpolyposis, type 7. Last evaluated: 2025-02-12. Review status: criteria provided, single submitter. Criteria: Invitae Variant Classification Sherloc (09022015). Collection method: clinical testing. Allele origin: germline.
Comment: This sequence change replaces alanine, which is neutral and non-polar, with valine, which is neutral and non-polar, at codon 1069 of the MLH3 protein (p.Ala1069Val). This variant is not present in population databases (gnomAD no frequency). This variant has not been reported in the literature in individuals affected with MLH3-related conditions. ClinVar contains an entry for this variant (Variation ID: 2563578). An algorithm developed to predict the effect of missense changes on protein structure and function outputs the following: PolyPhen-2: "Benign". The valine amino acid residue is found in multiple mammalian species, which suggests that this missense change does not adversely affect protein function. In summary, the available evidence is currently insufficient to determine the role of this variant in disease. Therefore, it has been classified as a Variant of Uncertain Significance.

Ambry Genetics
Classification: Uncertain significance. Last evaluated: 2023-06-01. Review status: criteria provided, single submitter. Criteria: Ambry Variant Classification Scheme 2023. Collection method: clinical testing. Allele origin: germline.
Comment: The p.A1069V variant (also known as c.3206C>T), located in coding exon 1 of the MLH3 gene, results from a C to T substitution at nucleotide position 3206. The alanine at codon 1069 is replaced by valine, an amino acid with similar properties. This amino acid position is conserved. In addition, this alteration is predicted to be tolerated by in silico analysis. Since supporting evidence is limited at this time, the clinical significance of this alteration remains unclear.